The following is an entry in ClinVar:

NM_018053.4(XKR8):c.695_705del (p.His232fs)

Gene: XKR8 (XK related 8; plus strand). Cytogenetic location: 1p35.3.
Variant type: Deletion.
Coding change: c.695_705del on transcript NM_018053.4 (MANE Select); coding-DNA positions 695 to 705, 11 bases deleted (ACTTCCTGGGC).
Protein change: p.His232fs; shifts the reading frame from histidine 232.
Molecular consequence: frameshift variant.
Genome position (GRCh38, 1-based): chr1:27,966,707-27,966,717, ACTTCCTGGGC deleted; deleting any 11 consecutive bases within chr1:27,966,705-27,966,717 gives the same sequence; the c. name uses the placement nearest the transcript's 3' end. VCF-style (leftmost placement, unchanged base first): chr1-27966704-TGCACTTCCTGG-T. GRCh37 (hg19) VCF-style: chr1-28293215-TGCACTTCCTGG-T.
Other names: short protein forms H232fs.
Identifiers: ClinVar variation 4980993 (VCV004980993.1).

ClinVar aggregate classification (germline): Uncertain significance (1 of 4 stars; one submission).

Conditions:
XKR8-related condition.

Submission:

PreventionGenetics, part of Exact Sciences
Classification: Uncertain significance for XKR8-related condition. Last evaluated: 2025-09-20. Review status: criteria provided, single submitter. Criteria: ACMG Guidelines, 2015. Collection method: clinical testing. Allele origin: germline.
Comment: The XKR8 c.695_705del11 variant is predicted to result in a frameshift and premature protein termination (p.His232Profs*43). To our knowledge, this variant has not been reported in the literature. This variant is reported in 0.042% of alleles in individuals of Latino descent in gnomAD. At this time, the clinical significance of this variant is uncertain due to the absence of conclusive functional and genetic evidence.